The following is an entry in ClinVar:

ClinVar aggregate classification (germline): Uncertain significance (1 of 4 stars; one submission).

Conditions:
XPC-related disorder. Also called: XPC-related condition.

Submission:

PreventionGenetics, part of Exact Sciences
Classification: Uncertain significance for XPC-related condition. Last evaluated: 2023-03-27. Review status: criteria provided, single submitter. Criteria: ACMG Guidelines, 2015. Collection method: clinical testing. Allele origin: germline.
Comment: The XPC c.2605-9_2609del14 variant is predicted to result in a deletion affecting a canonical splice site. Although the impact of this variant on splicing cannot be determined without experimental evidence, it is predicted to result in an inframe deletion based on available splicing prediction programs (Alamut Visual Plus v1.6.1). To our knowledge, this variant has not been reported in the literature or in a large population database, indicating this variant is rare. Although we suspect this variant may be pathogenic, at this time, the clinical significance of this variant is uncertain due to the absence of conclusive functional and genetic evidence.

NM_004628.5(XPC):c.2605-9_2609del

Gene: XPC (XPC complex subunit, DNA damage recognition and repair factor; minus strand). Cytogenetic location: 3p25.1.
Variant type: Deletion.
Coding change: c.2605-9_2609del on transcript NM_004628.5 (MANE Select); 9 bases into the intron before coding-DNA position 2605 through coding-DNA position 2609, 14 bases deleted (CCTGTCCAGAGTGA).
Molecular consequence: splice acceptor variant.
Genome position (GRCh38, 1-based): chr3:14,146,155-14,146,168, TCACTCTGGACAGG deleted on the plus strand (CCTGTCCAGAGTGA on the coding strand, the reverse complement: XPC is on the minus strand); deleting any 14 consecutive bases within chr3:14,146,155-14,146,169 gives the same sequence; the c. name uses the placement nearest the transcript's 3' end. VCF-style (leftmost placement, unchanged base first): chr3-14146154-CTCACTCTGGACAGG-C. GRCh37 (hg19) VCF-style: chr3-14187654-CTCACTCTGGACAGG-C.
Other names: c.2587-9_2591del (NM_001354729.2); c.2026-9_2030del (NM_001354726.2); c.2359-9_2363del (NM_001354730.2); c.2599-9_2603del (NM_001354727.2).
Identifiers: ClinVar variation 2630396 (VCV002630396.1), dbSNP rs2470215514, ClinGen allele CA2695197753.